The following is an entry in ClinVar:

NM_000704.3(ATP4A):c.3065G>A (p.Arg1022His)

Gene: ATP4A (ATPase H+/K+ transporting subunit alpha; minus strand). Cytogenetic location: 19q13.12.
Variant type: single nucleotide variant.
Coding change: c.3065G>A on transcript NM_000704.3 (MANE Select); coding-DNA position 3065, G replaced by A.
Protein change: p.Arg1022His; replaces arginine 1022 with histidine.
Molecular consequence: missense variant.
Genome position (GRCh38, 1-based): chr19:35,550,848, C>T on the plus strand (G>A on the coding strand, the complement: ATP4A is on the minus strand). VCF-style: chr19-35550848-C-T. GRCh37 (hg19) VCF-style: chr19-36041750-C-T.
Other names: short protein forms R1022H.
Identifiers: ClinVar variation 1931903 (VCV001931903.5), dbSNP rs773459189, ClinGen allele CA9380589.
Genomic context (GRCh38, chr19:35,550,848, plus strand): 5'-AAACGTTTCAGTCCCCTGCCCCCAGGCTCCCAGTCTCCACACTCACTCCCTGGGCAACAG[C>T]GAACTCCAAGCTTCCGGATCTCATCATAGACGAAGATGAGGATGCCGTAGGGCAGGGGGA-3'
Protein context (NP_000695.2, residues 1012-1032): VYDEIRKLGV[Arg1022His]CCPGSWWDQE

ClinVar aggregate classification (germline): Uncertain significance (1 of 4 stars; one submission).

Allele frequency attached by ClinVar (database versions not stated): ExAC 0.00001; gnomAD 0.00001; gnomAD exomes 0.00002; TOPMed 0.00002.
gnomAD v4.1: 39 of 1,613,986 alleles (0.0024%); highest among the groups gnomAD compares: South Asian, 0.0033%; no homozygotes.

Submission:

Labcorp Genetics (formerly Invitae), Labcorp
Classification: Uncertain significance. Last evaluated: 2022-09-05. Review status: criteria provided, single submitter. Criteria: Invitae Variant Classification Sherloc (09022015). Collection method: clinical testing. Allele origin: germline.
Comment: In summary, the available evidence is currently insufficient to determine the role of this variant in disease. Therefore, it has been classified as a Variant of Uncertain Significance. Algorithms developed to predict the effect of missense changes on protein structure and function are either unavailable or do not agree on the potential impact of this missense change (SIFT: "Deleterious"; PolyPhen-2: "Probably Damaging"; Align-GVGD: "Class C0"). This variant has not been reported in the literature in individuals affected with ATP4A-related conditions. This variant is present in population databases (rs773459189, gnomAD 0.003%). This sequence change replaces arginine, which is basic and polar, with histidine, which is basic and polar, at codon 1022 of the ATP4A protein (p.Arg1022His).